The following is an entry in ClinVar:

ClinVar aggregate classification (germline): Uncertain significance (1 of 4 stars; one submission).

gnomAD v4.1: 4 of 1,606,814 alleles (0.00025%); highest among the groups gnomAD compares: Middle Eastern, 0.017%; no homozygotes.

Submission:

Labcorp Genetics (formerly Invitae), Labcorp
Classification: Uncertain significance. Last evaluated: 2024-04-02. Review status: criteria provided, single submitter. Criteria: Invitae Variant Classification Sherloc (09022015). Collection method: clinical testing. Allele origin: germline.
Comment: This sequence change falls in intron 9 of the TRIP13 gene. It does not directly change the encoded amino acid sequence of the TRIP13 protein. It affects a nucleotide within the consensus splice site. This variant is not present in population databases (gnomAD no frequency). This variant has not been reported in the literature in individuals affected with TRIP13-related conditions. Variants that disrupt the consensus splice site are a relatively common cause of aberrant splicing (PMID: 17576681, 9536098). Algorithms developed to predict the effect of sequence changes on RNA splicing suggest that this variant is not likely to affect RNA splicing. In summary, the available evidence is currently insufficient to determine the role of this variant in disease. Therefore, it has been classified as a Variant of Uncertain Significance.

Literature cited by the submitters: PubMed 17576681; PubMed 9536098.

NM_004237.4(TRIP13):c.867-3C>T

Gene: TRIP13 (thyroid hormone receptor interactor 13; plus strand). Cytogenetic location: 5p15.33.
Variant type: single nucleotide variant.
Coding change: c.867-3C>T on transcript NM_004237.4 (MANE Select); 3 bases into the intron before coding-DNA position 867, C replaced by T.
Molecular consequence: intron variant.
Genome position (GRCh38, 1-based): chr5:911,840, C>T. VCF-style: chr5-911840-C-T. GRCh37 (hg19) VCF-style: chr5-911955-C-T.
Identifiers: ClinVar variation 3632963 (VCV003632963.2).